The following is an entry in ClinVar:

ClinVar aggregate classification (germline): Uncertain significance. Review status: criteria provided, multiple submitters, no conflicts (2 of 4 stars). 5 submissions from 5 submitters: Uncertain significance (5). Last evaluated 2023-05-05.

Conditions:
Sarcotubular myopathy (LGMDR8). Also called: Hutterite type of muscular dystrophy; Autosomal recessive limb-girdle muscular dystrophy type 2H; MUSCULAR DYSTROPHY, LIMB-GIRDLE, AUTOSOMAL RECESSIVE 8; Limb-girdle muscular dystrophy, type 2H. Identifiers: Orphanet 1878, MedGen C0270968, MONDO:0009683, OMIM 254110.
Bardet-Biedl syndrome 11 (BBS11). Identifiers: Orphanet 110, MedGen C1859569, MONDO:0014439, OMIM 615988.
Bardet-Biedl syndrome (BBS). Identifiers: Orphanet 110, MedGen C0752166, MONDO:0015229.

Allele frequency attached by ClinVar (database versions not stated): TOPMed 0.00001; gnomAD 0.00002; gnomAD exomes 0.00002 and 0.00004; ExAC 0.00004.
gnomAD v4.1: 33 of 1,614,010 alleles (0.002%); highest among the groups gnomAD compares: South Asian, 0.031%; no homozygotes.

Submissions (5):

Blueprint Genetics
Classification: Uncertain significance. Last evaluated: 2023-05-05. Review status: criteria provided, single submitter. Criteria: ACMG Guidelines, 2015. Collection method: clinical testing. Allele origin: germline.

Labcorp Genetics (formerly Invitae), Labcorp
Classification: Uncertain significance for Bardet-Biedl syndrome. Last evaluated: 2022-03-06. Review status: criteria provided, single submitter. Criteria: Invitae Variant Classification Sherloc (09022015). Collection method: clinical testing. Allele origin: germline.
Comment: This sequence change replaces arginine, which is basic and polar, with glutamine, which is neutral and polar, at codon 299 of the TRIM32 protein (p.Arg299Gln). This variant is present in population databases (rs766439806, gnomAD 0.03%). This variant has not been reported in the literature in individuals affected with TRIM32-related conditions. ClinVar contains an entry for this variant (Variation ID: 1032554). Algorithms developed to predict the effect of missense changes on protein structure and function (SIFT, PolyPhen-2, Align-GVGD) all suggest that this variant is likely to be tolerated. In summary, the available evidence is currently insufficient to determine the role of this variant in disease. Therefore, it has been classified as a Variant of Uncertain Significance.

Mayo Clinic Laboratories, Mayo Clinic
Classification: Uncertain significance. Last evaluated: 2022-01-10. Review status: criteria provided, single submitter. Criteria: ACMG Guidelines, 2015. Collection method: clinical testing. Allele origin: germline. Observed: 1 variant allele.
Comment: BP4

Fulgent Genetics
Classification: Uncertain significance for Sarcotubular myopathy; Bardet-Biedl syndrome 11. Last evaluated: 2021-09-17. Review status: criteria provided, single submitter. Criteria: ACMG Guidelines, 2015. Collection method: clinical testing. Allele origin: unknown.

Baylor Genetics
Classification: Uncertain significance for Sarcotubular myopathy. Last evaluated: 2018-09-25. Review status: criteria provided, single submitter. Criteria: ACMG Guidelines, 2015. Collection method: clinical testing. Allele origin: maternal. Affected: yes.
Comment: This variant was determined to be of uncertain significance according to ACMG Guidelines, 2015 [PMID:25741868].

Literature cited by the submitters: PubMed 22626039 (cited by Mayo Clinic Laboratories, Mayo Clinic).

NM_012210.4(TRIM32):c.896G>A (p.Arg299Gln)

Genes: ASTN2 (astrotactin 2; minus strand), TRIM32 (tripartite motif containing 32; plus strand). Cytogenetic location: 9q33.1.
Variant type: single nucleotide variant.
Coding change: c.896G>A on transcript NM_012210.4 (MANE Select); coding-DNA position 896, G replaced by A.
Protein change: p.Arg299Gln; replaces arginine 299 with glutamine.
Molecular consequence: missense variant. On other transcripts: intron variant (3).
Genome position (GRCh38, 1-based): chr9:116,698,638, G>A. VCF-style: chr9-116698638-G-A. GRCh37 (hg19) VCF-style: chr9-119460917-G-A.
Other names: p.Arg299Gln; c.896G>A, p.Arg299Gln (NM_001099679.2, NM_001379048.1, NM_001379049.1 and 1 more transcripts); c.2653+27133C>T (NM_014010.5); c.2794+27133C>T (NM_001365069.1); c.2806+27133C>T (NM_001365068.1); short protein forms R299Q.
Identifiers: ClinVar variation 1032554 (VCV001032554.9), dbSNP rs766439806, ClinGen allele CA5211066.